The following is an entry in ClinVar:

ClinVar aggregate classification (germline): Uncertain significance (1 of 4 stars; one submission).

Conditions:
Noonan syndrome (NS). Also called: Noonan's syndrome. Identifiers: Orphanet 648, MedGen C0028326, MeSH D009634, MONDO:0018997. Disease mechanism: gain of function.

Allele frequency attached by ClinVar (database versions not stated): gnomAD exomes below 0.00001; ExAC 0.00002; gnomAD 0.00002; TOPMed 0.00003; ESP Exome Variant Server 0.00008; 1000 Genomes Project 0.00020; 1000 Genomes Project 30x 0.00031.

Submission:

Labcorp Genetics (formerly Invitae), Labcorp
Classification: Uncertain significance for Noonan syndrome. Last evaluated: 2023-02-21. Review status: criteria provided, single submitter. Criteria: Invitae Variant Classification Sherloc (09022015). Collection method: clinical testing. Allele origin: germline.
Comment: This sequence change replaces alanine, which is neutral and non-polar, with threonine, which is neutral and polar, at codon 92 of the RRAS protein (p.Ala92Thr). This variant is present in population databases (rs148755459, gnomAD 0.01%). This variant has not been reported in the literature in individuals affected with RRAS-related conditions. An algorithm developed to predict the effect of missense changes on protein structure and function (PolyPhen-2) suggests that this variant is likely to be disruptive. In summary, the available evidence is currently insufficient to determine the role of this variant in disease. Therefore, it has been classified as a Variant of Uncertain Significance.

NM_006270.5(RRAS):c.274G>A (p.Ala92Thr)

Gene: RRAS (RAS related; minus strand). Cytogenetic location: 19q13.33.
Variant type: single nucleotide variant.
Coding change: c.274G>A on transcript NM_006270.5 (MANE Select); coding-DNA position 274, G replaced by A.
Protein change: p.Ala92Thr; replaces alanine 92 with threonine.
Molecular consequence: missense variant.
Genome position (GRCh38, 1-based): chr19:49,636,894, C>T on the plus strand (G>A on the coding strand, the complement: RRAS is on the minus strand). VCF-style: chr19-49636894-C-T. GRCh37 (hg19) VCF-style: chr19-50140151-C-T.
Other names: short protein forms A92T.
Identifiers: ClinVar variation 2715700 (VCV002715700.3), dbSNP rs148755459, ClinGen allele CA9579083.